The following is an entry in ClinVar:

NM_002907.4(RECQL):c.970C>T (p.Gln324Ter)

Gene: RECQL (RecQ like helicase; minus strand). Cytogenetic location: 12p12.1.
Variant type: single nucleotide variant.
Coding change: c.970C>T on transcript NM_002907.4 (MANE Select); coding-DNA position 970, C replaced by T.
Protein change: p.Gln324Ter; replaces glutamine 324 with a stop codon.
Molecular consequence: nonsense.
Genome position (GRCh38, 1-based): chr12:21,475,804, G>A on the plus strand (C>T on the coding strand, the complement: RECQL is on the minus strand). VCF-style: chr12-21475804-G-A. GRCh37 (hg19) VCF-style: chr12-21628738-G-A.
Other names: c.970C>T, p.Gln324Ter (NM_032941.3); short protein forms Q324*.
Identifiers: ClinVar variation 1767939 (VCV001767939.2), dbSNP rs1387446307, ClinGen allele CA384122267.

ClinVar aggregate classification (germline): Uncertain significance (1 of 4 stars; one submission).

Allele frequency attached by ClinVar (database versions not stated): gnomAD exomes below 0.00001; TOPMed below 0.00001; gnomAD 0.00001.
gnomAD v4.1: 3 of 1,612,124 alleles (0.00019%); highest among the groups gnomAD compares: African/African-American, 0.004%; no homozygotes.

Submission:

Ambry Genetics
Classification: Uncertain significance. Last evaluated: 2023-12-18. Review status: criteria provided, single submitter. Criteria: Ambry Variant Classification Scheme 2023. Collection method: clinical testing. Allele origin: germline.
Comment: The p.Q324* variant (also known as c.970C>T), located in coding exon 8 of the RECQL gene, results from a C to T substitution at nucleotide position 970. This changes the amino acid from a glutamine to a stop codon within coding exon 8. This alteration is expected to result in premature protein truncation or nonsense-mediated mRNA decay. The evidence for this gene-disease relationship is limited; therefore, the clinical significance of this alteration is unclear.